The following is an entry in ClinVar:

ClinVar aggregate classification (germline): Uncertain significance (1 of 4 stars; one submission).

gnomAD v4.1: 10 of 1,614,210 alleles (0.00062%); highest among the groups gnomAD compares: Non-Finnish European, 0.00085%; no homozygotes.

Submission:

Ambry Genetics
Classification: Uncertain significance. Last evaluated: 2024-06-28. Review status: criteria provided, single submitter. Criteria: Ambry Variant Classification Scheme 2023. Collection method: clinical testing. Allele origin: germline.
Comment: The p.N42H variant (also known as c.124A>C), located in coding exon 2 of the PDLIM3 gene, results from an A to C substitution at nucleotide position 124. The asparagine at codon 42 is replaced by histidine, an amino acid with similar properties. This amino acid position is conserved. In addition, this alteration is predicted to be tolerated by in silico analysis. Based on the available evidence, the clinical significance of this variant remains unclear.

NM_014476.6(PDLIM3):c.124A>C (p.Asn42His)

Gene: PDLIM3 (PDZ and LIM domain 3; minus strand). Cytogenetic location: 4q35.1.
Variant type: single nucleotide variant.
Coding change: c.124A>C on transcript NM_014476.6 (MANE Select); coding-DNA position 124, A replaced by C.
Protein change: p.Asn42His; replaces asparagine 42 with histidine.
Molecular consequence: missense variant. On other transcripts: non-coding transcript variant (1), intron variant (1).
Genome position (GRCh38, 1-based): chr4:185,525,141, T>G on the plus strand (A>C on the coding strand, the complement: PDLIM3 is on the minus strand). VCF-style: chr4-185525141-T-G. GRCh37 (hg19) VCF-style: chr4-186446295-T-G.
Other names: c.124A>C, p.Asn42His (NM_001114107.5, NM_001257962.2); c.93+10201A>C (NM_001257963.2); short protein forms N42H.
Identifiers: ClinVar variation 3416595 (VCV003416595.1).